The following is an entry in ClinVar:

NM_000059.4(BRCA2):c.9184G>A (p.Asp3062Asn)

Gene: BRCA2 (BRCA2 DNA repair associated; plus strand). Cytogenetic location: 13q13.1.
Variant type: single nucleotide variant.
Coding change: c.9184G>A on transcript NM_000059.4 (MANE Select); coding-DNA position 9184, G replaced by A.
Protein change: p.Asp3062Asn; replaces aspartic acid 3062 with asparagine.
Molecular consequence: missense variant.
Genome position (GRCh38, 1-based): chr13:32,380,073, G>A. VCF-style: chr13-32380073-G-A. GRCh37 (hg19) VCF-style: chr13-32954210-G-A.
Other names: short protein forms D3062N.
Identifiers: ClinVar variation 631409 (VCV000631409.7), dbSNP rs1566253579, ClinGen allele CA387758093.
Genomic context (GRCh38, chr13:32,380,073, plus strand): 5'-GATGAAATTTTATTTCAGATTTACCAGCCACGGGAGCCCCTTCACTTCAGCAAATTTTTA[G>A]ATCCAGACTTTCAGCCATCTTGTTCTGAGGTGGACCTAATAGGATTTGTCGTTTCTGTTG-3'
Protein context (NP_000050.3, residues 3052-3072): REPLHFSKFL[Asp3062Asn]PDFQPSCSEV

ClinVar aggregate classification (germline): Uncertain significance. Review status: criteria provided, multiple submitters, no conflicts (2 of 4 stars). 2 submissions from 2 submitters: Uncertain significance (2). Last evaluated 2024-09-02.

Conditions:
Hereditary cancer-predisposing syndrome. Also called: Tumor predisposition; Neoplastic Syndromes, Hereditary; Hereditary neoplastic syndrome; Hereditary Cancer Syndrome. Identifiers: Orphanet 140162, MedGen C0027672, MeSH D009386, MONDO:0015356.
Hereditary breast ovarian cancer syndrome. Also called: Hereditary breast and ovarian cancer; Hereditary breast and ovarian cancer syndrome (HBOC); Breast and ovarian cancer; Hereditary breast and ovarian cancer syndrome; BRCA1- and BRCA2-Associated Hereditary Breast and Ovarian Cancer; Hereditary breast and/or ovarian cancer syndrome. Identifiers: Orphanet 145, MedGen C0677776, MeSH D061325, MONDO:0003582. Disease mechanism: loss of function.

Submissions (2):

Labcorp Genetics (formerly Invitae), Labcorp
Classification: Uncertain significance for Hereditary breast ovarian cancer syndrome. Last evaluated: 2024-09-02. Review status: criteria provided, single submitter. Criteria: Invitae Variant Classification Sherloc (09022015). Collection method: clinical testing. Allele origin: germline.
Comment: This sequence change replaces aspartic acid, which is acidic and polar, with asparagine, which is neutral and polar, at codon 3062 of the BRCA2 protein (p.Asp3062Asn). This variant is not present in population databases (gnomAD no frequency). This variant has not been reported in the literature in individuals affected with BRCA2-related conditions. ClinVar contains an entry for this variant (Variation ID: 631409). Invitae Evidence Modeling of protein sequence and biophysical properties (such as structural, functional, and spatial information, amino acid conservation, physicochemical variation, residue mobility, and thermodynamic stability) indicates that this missense variant is not expected to disrupt BRCA2 protein function with a negative predictive value of 95%. In summary, the available evidence is currently insufficient to determine the role of this variant in disease. Therefore, it has been classified as a Variant of Uncertain Significance.

Color Diagnostics, LLC DBA Color Health
Classification: Uncertain significance for Hereditary cancer-predisposing syndrome. Last evaluated: 2023-12-05. Review status: criteria provided, single submitter. Criteria: ACMG Guidelines, 2015. Collection method: clinical testing. Allele origin: germline.
Comment: This missense variant replaces aspartic acid with asparagine at codon 3062 of the BRCA2 protein. Computational prediction suggests that this variant may not impact protein structure and function (internally defined REVEL score threshold <= 0.5, PMID: 27666373). To our knowledge, functional studies have not been reported for this variant. This variant has not been reported in individuals affected with BRCA2-related disorders in the literature. This variant has not been identified in the general population by the Genome Aggregation Database (gnomAD). The available evidence is insufficient to determine the role of this variant in disease conclusively. Therefore, this variant is classified as a Variant of Uncertain Significance.